The following is an entry in ClinVar:

NM_006060.6(IKZF1):c.1504C>A (p.Arg502=)

Gene: IKZF1 (IKAROS family zinc finger 1; plus strand). Cytogenetic location: 7p12.2.
Variant type: single nucleotide variant.
Coding change: c.1504C>A on transcript NM_006060.6 (MANE Select); coding-DNA position 1504, C replaced by A.
Protein change: p.Arg502=; no amino-acid change (arginine 502 retained).
Molecular consequence: synonymous variant.
Genome position (GRCh38, 1-based): chr7:50,400,571, C>A. VCF-style: chr7-50400571-C-A. GRCh37 (hg19) VCF-style: chr7-50468269-C-A.
Other names: c.1378C>A, p.Arg460= (NM_001220765.3, NM_001291837.2); c.1213C>A, p.Arg405= (NM_001220767.2); c.1243C>A, p.Arg415= (NM_001220768.2, NM_001291838.2); c.1087C>A, p.Arg363= (NM_001220770.2); c.1075C>A, p.Arg359= (NM_001220771.2, NM_001291841.1); c.1117C>A, p.Arg373= (NM_001291839.2); c.814C>A, p.Arg272= (NM_001291840.1); c.1045C>A, p.Arg349= (NM_001291842.1); and 3 more.
Identifiers: ClinVar variation 2879128 (VCV002879128.3), dbSNP rs2153519857, ClinGen allele CA454931346.

ClinVar aggregate classification (germline): Uncertain significance (1 of 4 stars; one submission).

gnomAD v4.1: 2 of 1,613,752 alleles (0.00012%); highest among the groups gnomAD compares: Non-Finnish European, 0.00017%; no homozygotes.

Submission:

Labcorp Genetics (formerly Invitae), Labcorp
Classification: Uncertain significance. Last evaluated: 2023-01-20. Review status: criteria provided, single submitter. Criteria: Invitae Variant Classification Sherloc (09022015). Collection method: clinical testing. Allele origin: germline.
Comment: This sequence change affects codon 502 of the IKZF1 mRNA. It is a 'silent' change, meaning that it does not change the encoded amino acid sequence of the IKZF1 protein. This variant is not present in population databases (gnomAD no frequency). This variant has not been reported in the literature in individuals affected with IKZF1-related conditions. In summary, the available evidence is currently insufficient to determine the role of this variant in disease. Therefore, it has been classified as a Variant of Uncertain Significance.